The following is an entry in ClinVar:

NM_000183.3(HADHB):c.98G>A (p.Arg33Gln)

Gene: HADHB (hydroxyacyl-CoA dehydrogenase trifunctional multienzyme complex subunit beta; plus strand). Cytogenetic location: 2p23.3.
Variant type: single nucleotide variant.
Coding change: c.98G>A on transcript NM_000183.3 (MANE Select); coding-DNA position 98, G replaced by A.
Protein change: p.Arg33Gln; replaces arginine 33 with glutamine.
Molecular consequence: missense variant. On other transcripts: 5 prime UTR variant (1).
Genome position (GRCh38, 1-based): chr2:26,254,463, G>A. VCF-style: chr2-26254463-G-A. GRCh37 (hg19) VCF-style: chr2-26477331-G-A.
Other names: p.Arg33Gln; c.98G>A, p.Arg33Gln (NM_001281512.2); c.-52G>A (NM_001281513.2); short protein forms R33Q.
Identifiers: ClinVar variation 1357404 (VCV001357404.8), dbSNP rs372980146, ClinGen allele CA1560085.
Genomic context (GRCh38, chr2:26,254,463, plus strand): 5'-TTGTAAACAGTTTATTTTGTCTTCCAGCCATAAGACCTCTGAGCTGTTCCTCCCAGCTAC[G>A]AGCTGCCCCAGGTACAGTAATTTGTAAAATAAATATTTCTGATTTAAATGTTAGATTCCA-3'
Protein context (NP_000174.1, residues 23-43): IRPLSCSSQL[Arg33Gln]AAPAVQTKTK

ClinVar aggregate classification (germline): Uncertain significance. Review status: criteria provided, multiple submitters, no conflicts (2 of 4 stars). 2 submissions from 2 submitters: Uncertain significance (2). Last evaluated 2025-04-08.

Conditions:
Mitochondrial trifunctional protein deficiency. Identifiers: Orphanet 746, MedGen C1969443, MONDO:0012172.

Allele frequency attached by ClinVar (database versions not stated): gnomAD 0.00001 and 0.00002; gnomAD exomes 0.00001 and 0.00002; TOPMed 0.00001; ExAC 0.00002; ESP Exome Variant Server 0.00008; 1000 Genomes Project 30x 0.00016; 1000 Genomes Project 0.00020.
gnomAD v4.1: 20 of 1,589,590 alleles (0.0013%); highest among the groups gnomAD compares: Admixed American, 0.012%; no homozygotes.

Submissions (2):

Mayo Clinic Laboratories, Mayo Clinic
Classification: Uncertain significance. Last evaluated: 2025-04-08. Review status: criteria provided, single submitter. Criteria: ACMG Guidelines, 2015. Collection method: clinical testing. Allele origin: germline. Observed: 1 variant allele.
Comment: BP4_moderate

Labcorp Genetics (formerly Invitae), Labcorp
Classification: Uncertain significance for Mitochondrial trifunctional protein deficiency. Last evaluated: 2024-10-28. Review status: criteria provided, single submitter. Criteria: Invitae Variant Classification Sherloc (09022015). Collection method: clinical testing. Allele origin: germline.
Comment: This sequence change replaces arginine, which is basic and polar, with glutamine, which is neutral and polar, at codon 33 of the HADHB protein (p.Arg33Gln). This variant is present in population databases (rs372980146, gnomAD 0.006%). This variant has not been reported in the literature in individuals affected with HADHB-related conditions. ClinVar contains an entry for this variant (Variation ID: 1357404). An algorithm developed to predict the effect of missense changes on protein structure and function outputs the following: PolyPhen-2: "Benign". The glutamine amino acid residue is found in multiple mammalian species, which suggests that this missense change does not adversely affect protein function. In summary, the available evidence is currently insufficient to determine the role of this variant in disease. Therefore, it has been classified as a Variant of Uncertain Significance.